The following is an entry in ClinVar:

ClinVar aggregate classification (germline): Likely benign (0 of 4 stars; one submission).

Conditions:
SLC25A40-related disorder. Also called: SLC25A40-related condition.

Allele frequency attached by ClinVar (database versions not stated): TOPMed 0.00009; gnomAD 0.00011; gnomAD exomes 0.00015; ExAC 0.00028; 1000 Genomes Project 30x 0.00031; 1000 Genomes Project 0.00040.
gnomAD v4.1: 267 of 1,598,612 alleles (0.017%); highest among the groups gnomAD compares: East Asian, 0.48%; 1 homozygote.

Submission:

PreventionGenetics, part of Exact Sciences
Classification: Likely benign for SLC25A40-related condition. Last evaluated: 2022-03-31. Review status: no assertion criteria provided. Collection method: clinical testing. Allele origin: germline.
Comment: This variant is classified as likely benign based on ACMG/AMP sequence variant interpretation guidelines (Richards et al. 2015 PMID: 25741868, with internal and published modifications).

NM_018843.4(SLC25A40):c.314G>A (p.Ser105Asn)

Gene: SLC25A40 (solute carrier family 25 member 40; minus strand). Cytogenetic location: 7q21.12.
Variant type: single nucleotide variant.
Coding change: c.314G>A on transcript NM_018843.4 (MANE Select); coding-DNA position 314, G replaced by A.
Protein change: p.Ser105Asn; replaces serine 105 with asparagine.
Molecular consequence: missense variant.
Genome position (GRCh38, 1-based): chr7:87,849,899, C>T on the plus strand (G>A on the coding strand, the complement: SLC25A40 is on the minus strand). VCF-style: chr7-87849899-C-T. GRCh37 (hg19) VCF-style: chr7-87479214-C-T.
Other names: short protein forms S105N.
Identifiers: ClinVar variation 3048421 (VCV003048421.2), dbSNP rs200954020, ClinGen allele CA4329360.